The following is an entry in ClinVar:

NM_153240.5(NPHP3):c.273del (p.Glu90_Tyr91insTer)

Genes: NPHP3-AS1 (NPHP3 antisense RNA 1; plus strand), NPHP3 (nephrocystin 3; minus strand), NPHP3-ACAD11 (NPHP3-ACAD11 readthrough (NMD candidate); minus strand), LOC129937586 (ATAC-STARR-seq lymphoblastoid silent region 14743; plus strand). Cytogenetic location: 3q22.1.
Variant type: Deletion.
Coding change: c.273del on transcript NM_153240.5 (MANE Select); coding-DNA position 273, one base deleted (C; older notation c.273delC).
Protein change: p.Glu90_Tyr91insTer.
Molecular consequence: nonsense. On other transcripts: non-coding transcript variant (3).
Genome position (GRCh38, 1-based): chr3:132,722,083, G deleted on the plus strand (C on the coding strand, the reverse complement: NPHP3 is on the minus strand). VCF-style (leftmost placement, unchanged base first): chr3-132722082-CG-C. GRCh37 (hg19) VCF-style: chr3-132440926-CG-C.
Other names: c.273delC (NM_153240.4).
Identifiers: ClinVar variation 193505 (VCV000193505.16), dbSNP rs758558609, ClinGen allele CA200627.

ClinVar aggregate classification (germline): Pathogenic/Likely pathogenic. Review status: criteria provided, multiple submitters, no conflicts (2 of 4 stars). 5 submissions from 5 submitters: Pathogenic (2); Likely pathogenic (2). 1 of the submissions does not count toward it. Last evaluated 2026-09-29.

Conditions:
Nephronophthisis. Also called: Juvenile Nephronophthisis. Identifiers: Orphanet 655, MedGen C0687120, MONDO:0019005, HP:0000090.
NPHP3-related disorder. Also called: NPHP3-related disorders; NPHP3-related condition. Identifiers: MedGen CN379163.

Allele frequency attached by ClinVar (database versions not stated): gnomAD exomes 0.00001 and below 0.00001; TOPMed 0.00001; ExAC 0.00001.

Submissions (5):

GeneDx
Classification: Likely pathogenic. Last evaluated: 2026-09-29. Review status: criteria provided, single submitter. Criteria: GeneDx Variant Classification Process June 2021. Collection method: clinical testing. Allele origin: germline.
Comment: Nonsense variant predicted to result in protein truncation or nonsense mediated decay in a gene for which loss of function is a known mechanism of disease; Not observed at significant frequency in large population cohorts (gnomAD); This variant is associated with the following publications: (PMID: 31964843, 31980526)

Labcorp Genetics (formerly Invitae), Labcorp
Classification: Pathogenic for Nephronophthisis. Last evaluated: 2025-08-11. Review status: criteria provided, single submitter. Criteria: Invitae Variant Classification Sherloc (09022015). Collection method: clinical testing. Allele origin: germline.
Comment: This sequence change creates a premature translational stop signal (p.Tyr91*) in the NPHP3 gene. It is expected to result in an absent or disrupted protein product. Loss-of-function variants in NPHP3 are known to be pathogenic (PMID: 18371931, 23559409). This variant is present in population databases (rs758558609, gnomAD 0.0009%). This variant has not been reported in the literature in individuals affected with NPHP3-related conditions. ClinVar contains an entry for this variant (Variation ID: 193505). For these reasons, this variant has been classified as Pathogenic.

Blueprint Genetics
Classification: Likely pathogenic for NPHP3-related disorders. Last evaluated: 2020-07-17. Review status: criteria provided, single submitter. Criteria: ACMG Guidelines, 2015. Collection method: clinical testing. Allele origin: germline. Affected: yes. Observed: 1 variant allele.

Eurofins Ntd Llc (ga)
Classification: Pathogenic. Last evaluated: 2014-06-18. Review status: criteria provided, single submitter. Criteria: EGL Classification Definitions 2015. Collection method: clinical testing. Allele origin: germline. Observed: 1 variant allele, 1 heterozygote.

PreventionGenetics, part of Exact Sciences
Classification: Pathogenic for NPHP3-related condition. Last evaluated: 2023-12-12. Review status: no assertion criteria provided. Collection method: clinical testing. Allele origin: germline. Not counted in ClinVar's aggregate classification.
Comment: The NPHP3 c.273delC variant is predicted to result in premature protein termination (p.Tyr91*). To our knowledge, this variant has not been reported in the literature in any individuals with an NPHP3-related disorder. This variant is reported in 0.00091% of alleles in individuals of European (non-Finnish) descent in gnomAD. Nonsense variants in NPHP3 are expected to be pathogenic. This variant is interpreted as pathogenic.

Literature cited by the submitters: PubMed 18371931 (cited by Labcorp Genetics (formerly Invitae), Labcorp); PubMed 23559409 (cited by Labcorp Genetics (formerly Invitae), Labcorp).